The following is an entry in ClinVar:

NM_000020.3(ACVRL1):c.1459A>G (p.Lys487Glu)

Gene: ACVRL1 (activin A receptor like type 1; plus strand). Cytogenetic location: 12q13.13.
Variant type: single nucleotide variant.
Coding change: c.1459A>G on transcript NM_000020.3 (MANE Select); coding-DNA position 1459, A replaced by G.
Protein change: p.Lys487Glu; replaces lysine 487 with glutamic acid.
Molecular consequence: missense variant.
Genome position (GRCh38, 1-based): chr12:51,920,840, A>G. VCF-style: chr12-51920840-A-G. GRCh37 (hg19) VCF-style: chr12-52314624-A-G.
Other names: c.1459A>G, p.Lys487Glu (NM_001077401.2); short protein forms K487E.
Identifiers: ClinVar variation 936241 (VCV000936241.9), dbSNP rs1940959530, ClinGen allele CA384905894.

ClinVar aggregate classification (germline): Uncertain significance (1 of 4 stars; one submission).

Conditions:
Telangiectasia, hereditary hemorrhagic, type 2 (HHT2). Also called: ACVRL1-Related Hereditary Hemorrhagic Telangiectasia; Telangiectasia, hereditary hemorrhagic, type II. Identifiers: Orphanet 774, MedGen C1838163, MONDO:0010880, OMIM 600376. Disease mechanism: loss of function.

Submission:

Labcorp Genetics (formerly Invitae), Labcorp
Classification: Uncertain significance for Telangiectasia, hereditary hemorrhagic, type 2. Last evaluated: 2019-10-08. Review status: criteria provided, single submitter. Criteria: Invitae Variant Classification Sherloc (09022015). Collection method: clinical testing. Allele origin: germline.
Comment: This sequence change replaces lysine with glutamic acid at codon 487 of the ACVRL1 protein (p.Lys487Glu). The lysine residue is highly conserved and there is a small physicochemical difference between lysine and glutamic acid. This variant is not present in population databases (ExAC no frequency). Algorithms developed to predict the effect of missense changes on protein structure and function (SIFT, PolyPhen-2, Align-GVGD) all suggest that this variant is likely to be disruptive, but these predictions have not been confirmed by published functional studies and their clinical significance is uncertain. This variant disrupts the p.Lys487 amino acid residue in ACVRL1. Other variant(s) that disrupt this residue have been observed in individuals with ACVRL1-related conditions (PMID: 14684682), which suggests that this may be a clinically significant amino acid residue. In summary, the available evidence is currently insufficient to determine the role of this variant in disease. Therefore, it has been classified as a Variant of Uncertain Significance.

Literature cited by the submitters: PubMed 14684682.